The following is an entry in ClinVar:

NM_001379286.1(ZNF423):c.97G>A (p.Ala33Thr)

Gene: ZNF423 (zinc finger protein 423; minus strand). Cytogenetic location: 16q12.1.
Variant type: single nucleotide variant.
Coding change: c.97G>A on transcript NM_001379286.1 (MANE Select); coding-DNA position 97, G replaced by A.
Protein change: p.Ala33Thr; replaces alanine 33 with threonine.
Molecular consequence: missense variant. On other transcripts: 5 prime UTR variant (1).
Genome position (GRCh38, 1-based): chr16:49,789,490, C>T on the plus strand (G>A on the coding strand, the complement: ZNF423 is on the minus strand). VCF-style: chr16-49789490-C-T. GRCh37 (hg19) VCF-style: chr16-49823401-C-T.
Other names: c.-108G>A (NM_001271620.2); c.73G>A, p.Ala25Thr (NM_015069.5); short protein forms A25T, A33T.
Identifiers: ClinVar variation 1000141 (VCV001000141.6), dbSNP rs753557797, ClinGen allele CA8046975.

ClinVar aggregate classification (germline): Uncertain significance (1 of 4 stars; one submission).

Conditions:
Nephronophthisis 14 (NPHP14). Identifiers: Orphanet 2318, MedGen C3539071, MONDO:0013916, OMIM 614844.

Allele frequency attached by ClinVar (database versions not stated): gnomAD below 0.00001 and 0.00001; TOPMed 0.00001; ExAC 0.00003; gnomAD exomes 0.00003.

Submission:

Labcorp Genetics (formerly Invitae), Labcorp
Classification: Uncertain significance for Nephronophthisis 14. Last evaluated: 2022-02-08. Review status: criteria provided, single submitter. Criteria: Invitae Variant Classification Sherloc (09022015). Collection method: clinical testing. Allele origin: germline.
Comment: This sequence change replaces alanine, which is neutral and non-polar, with threonine, which is neutral and polar, at codon 25 of the ZNF423 protein (p.Ala25Thr). This variant is present in population databases (rs753557797, gnomAD 0.02%). This variant has not been reported in the literature in individuals affected with ZNF423-related conditions. ClinVar contains an entry for this variant (Variation ID: 1000141). Algorithms developed to predict the effect of missense changes on protein structure and function (SIFT, PolyPhen-2, Align-GVGD) all suggest that this variant is likely to be tolerated. In summary, the available evidence is currently insufficient to determine the role of this variant in disease. Therefore, it has been classified as a Variant of Uncertain Significance.